The following is an entry in ClinVar:

NM_000142.5(FGFR3):c.807C>T (p.Ser269=)

Gene: FGFR3 (fibroblast growth factor receptor 3; plus strand). Cytogenetic location: 4p16.3.
Variant type: single nucleotide variant.
Coding change: c.807C>T on transcript NM_000142.5 (MANE Select); coding-DNA position 807, C replaced by T.
Protein change: p.Ser269=; no amino-acid change (serine 269 retained).
Molecular consequence: synonymous variant. On other transcripts: non-coding transcript variant (1).
Genome position (GRCh38, 1-based): chr4:1,801,902, C>T. VCF-style: chr4-1801902-C-T. GRCh37 (hg19) VCF-style: chr4-1803629-C-T.
Other names: c.807C>T, p.Ser269= (NM_001163213.2, NM_001354809.2, NM_001354810.2 and 1 more transcripts).
Identifiers: ClinVar variation 533895 (VCV000533895.22), dbSNP rs199614237, ClinGen allele CA2809985.

ClinVar aggregate classification (germline): Benign/Likely benign. Review status: criteria provided, multiple submitters, no conflicts (2 of 4 stars). 8 submissions from 8 submitters: Benign (1); Likely benign (5). 2 of the submissions do not count toward it. Last evaluated 2026-04-01.

Allele frequency attached by ClinVar (database versions not stated): ExAC 0.00006; ESP Exome Variant Server 0.00008; gnomAD exomes 0.00011 and 0.00027; TOPMed 0.00017; gnomAD 0.00021.
gnomAD v4.1: 414 of 1,611,918 alleles (0.026%); highest among the groups gnomAD compares: Non-Finnish European, 0.033%; no homozygotes.

Submissions (8):

CeGaT Center for Human Genetics Tuebingen
Classification: Likely benign. Last evaluated: 2026-04-01. Review status: criteria provided, single submitter. Criteria: CeGaT Center For Human Genetics Tuebingen Variant Classification Criteria Version 2. Collection method: clinical testing. Allele origin: germline. Affected: yes. Observed: 1 variant allele.
Comment: FGFR3: BP4, BP7

Labcorp Genetics (formerly Invitae), Labcorp
Classification: Likely benign. Last evaluated: 2026-01-16. Review status: criteria provided, single submitter. Criteria: Invitae Variant Classification Sherloc (09022015). Collection method: clinical testing. Allele origin: germline.

Laboratory of Genetics, Children's Clinical University Hospital Latvia
Classification: Benign. Last evaluated: 2025-02-16. Review status: criteria provided, single submitter. Criteria: ACMG Guidelines, 2015. Collection method: clinical testing. Allele origin: germline. Affected: yes.

Blueprint Genetics
Classification: Likely benign. Last evaluated: 2024-10-28. Review status: criteria provided, single submitter. Criteria: ACMG Guidelines, 2015. Collection method: clinical testing. Allele origin: germline.

GeneDx
Classification: Likely benign. Last evaluated: 2020-07-17. Review status: criteria provided, single submitter. Criteria: GeneDx Variant Classification Process June 2021. Collection method: clinical testing. Allele origin: germline. Affected: yes.

Breakthrough Genomics
Classification: Likely benign. Review status: criteria provided, single submitter. Criteria: ACMG Guidelines, 2015. Collection method: not provided. Allele origin: germline. Inheritance: Autosomal dominant inheritance. Affected: yes.

Clinical Genetics DNA and cytogenetics Diagnostics Lab, Erasmus MC, Erasmus Medical Center
Classification: Benign. Review status: no assertion criteria provided. Collection method: clinical testing. Allele origin: germline. Affected: yes. Study: VKGL Data-share Consensus. Not counted in ClinVar's aggregate classification.

Laboratory of Diagnostic Genome Analysis, Leiden University Medical Center (LUMC)
Classification: Likely benign. Review status: no assertion criteria provided. Collection method: clinical testing. Allele origin: germline. Affected: yes. Study: VKGL Data-share Consensus. Not counted in ClinVar's aggregate classification.